The following is an entry in ClinVar:

NM_005506.4(SCARB2):c.1105A>G (p.Ile369Val)

Gene: SCARB2 (scavenger receptor class B member 2; minus strand). Cytogenetic location: 4q21.1.
Variant type: single nucleotide variant.
Coding change: c.1105A>G on transcript NM_005506.4 (MANE Select); coding-DNA position 1105, A replaced by G.
Protein change: p.Ile369Val; replaces isoleucine 369 with valine.
Molecular consequence: missense variant.
Genome position (GRCh38, 1-based): chr4:76,169,875, T>C on the plus strand (A>G on the coding strand, the complement: SCARB2 is on the minus strand). VCF-style: chr4-76169875-T-C. GRCh37 (hg19) VCF-style: chr4-77091028-T-C.
Other names: c.676A>G, p.Ile226Val (NM_001204255.2); short protein forms I369V, I226V.
Identifiers: ClinVar variation 805379 (VCV000805379.9), dbSNP rs1311037416, ClinGen allele CA357314432.

ClinVar aggregate classification (germline): Uncertain significance. Review status: criteria provided, multiple submitters, no conflicts (2 of 4 stars). 2 submissions from 2 submitters: Uncertain significance (2). Last evaluated 2021-03-05.

Conditions:
Progressive myoclonic epilepsy. Also called: Familial progressive myoclonic epilepsy; Myoclonic Epilepsies, Progressive; Myoclonus epilepsy; Progressive myoclonus epilepsy. Identifiers: Orphanet 308, Orphanet 98261, MedGen C0751778, MONDO:0020074.

Allele frequency attached by ClinVar (database versions not stated): TOPMed below 0.00001; gnomAD exomes 0.00001 and 0.00002.
gnomAD v4.1: 12 of 1,610,286 alleles (0.00075%); highest among the groups gnomAD compares: South Asian, 0.011%; 1 homozygote.

Submissions (2):

Labcorp Genetics (formerly Invitae), Labcorp
Classification: Uncertain significance for Progressive myoclonic epilepsy. Last evaluated: 2021-03-05. Review status: criteria provided, single submitter. Criteria: Invitae Variant Classification Sherloc (09022015). Collection method: clinical testing. Allele origin: germline.
Comment: This sequence change replaces isoleucine with valine at codon 369 of the SCARB2 protein (p.Ile369Val). The isoleucine residue is highly conserved and there is a small physicochemical difference between isoleucine and valine. This variant is not present in population databases (ExAC no frequency). This variant has not been reported in the literature in individuals with SCARB2-related conditions. Algorithms developed to predict the effect of missense changes on protein structure and function output the following: SIFT: "Tolerated"; PolyPhen-2: "Benign"; Align-GVGD: "Class C15". The valine amino acid residue is found in multiple mammalian species, suggesting that this missense change does not adversely affect protein function. These predictions have not been confirmed by published functional studies and their clinical significance is uncertain. In summary, the available evidence is currently insufficient to determine the role of this variant in disease. Therefore, it has been classified as a Variant of Uncertain Significance.

Athena Diagnostics
Classification: Uncertain significance. Last evaluated: 2018-10-22. Review status: criteria provided, single submitter. Criteria: Athena Diagnostics Criteria. Collection method: clinical testing. Allele origin: germline.